The following is an entry in ClinVar:

ClinVar aggregate classification (germline): Uncertain significance (1 of 4 stars; one submission).

Submission:

GeneDx
Classification: Uncertain significance. Last evaluated: 2019-11-03. Review status: criteria provided, single submitter. Criteria: GeneDx Variant Classification Process June 2021. Collection method: clinical testing. Allele origin: germline. Affected: yes.
Comment: Not observed in large population cohorts (Lek et al., 2016); In silico analysis, which includes protein predictors and evolutionary conservation, supports that this variant does not alter protein structure/function; Has not been previously published as pathogenic or benign to our knowledge

NM_000168.6(GLI3):c.1180C>T (p.Pro394Ser)

Gene: GLI3 (GLI family zinc finger 3; minus strand). Cytogenetic location: 7p14.1.
Variant type: single nucleotide variant.
Coding change: c.1180C>T on transcript NM_000168.6 (MANE Select); coding-DNA position 1180, C replaced by T.
Protein change: p.Pro394Ser; replaces proline 394 with serine.
Molecular consequence: missense variant.
Genome position (GRCh38, 1-based): chr7:42,026,261, G>A on the plus strand (C>T on the coding strand, the complement: GLI3 is on the minus strand). VCF-style: chr7-42026261-G-A. GRCh37 (hg19) VCF-style: chr7-42065860-G-A.
Other names: short protein forms P394S.
Identifiers: ClinVar variation 1309473 (VCV001309473.2), dbSNP rs1255889257, ClinGen allele CA367326378.